The following is an entry in ClinVar:

NM_001267550.2(TTN):c.40633+1G>A

Gene: TTN (titin; minus strand). Cytogenetic location: 2q31.2.
Variant type: single nucleotide variant.
Coding change: c.40633+1G>A on transcript NM_001267550.2 (MANE Select); the canonical splice donor site of the intron after coding-DNA position 40633, G replaced by A.
Molecular consequence: splice donor variant.
Genome position (GRCh38, 1-based): chr2:178,641,240, C>T on the plus strand (G>A on the coding strand, the complement: TTN is on the minus strand). VCF-style: chr2-178641240-C-T. GRCh37 (hg19) VCF-style: chr2-179505967-C-T.
Other names: c.13438+1G>A (NM_003319.4); c.14014+1G>A (NM_133437.4); c.13813+1G>A (NM_133432.3); c.32929+1G>A (NM_133378.4); c.35710+1G>A (NM_001256850.1).
Identifiers: ClinVar variation 3757045 (VCV003757045.2).

ClinVar aggregate classification (germline): Likely pathogenic (1 of 4 stars; one submission).

Conditions:
Dilated cardiomyopathy 1G (CMD1G). Identifiers: Orphanet 154, MedGen C1858763, MONDO:0011400, OMIM 604145.
Autosomal recessive limb-girdle muscular dystrophy type 2J (LGMDR10). Also called: Limb-girdle muscular dystrophy, type 2J; MUSCULAR DYSTROPHY, LIMB-GIRDLE, AUTOSOMAL RECESSIVE 10. Identifiers: Orphanet 140922, MedGen C1837342, MONDO:0012127, OMIM 608807.

gnomAD v4.1: 2 of 1,501,456 alleles (0.00013%); highest among the groups gnomAD compares: South Asian, 0.0013%; no homozygotes.

Submission:

Labcorp Genetics (formerly Invitae), Labcorp
Classification: Likely pathogenic for Dilated cardiomyopathy 1G; Autosomal recessive limb-girdle muscular dystrophy type 2J. Last evaluated: 2025-08-17. Review status: criteria provided, single submitter. Criteria: Invitae Variant Classification Sherloc (09022015). Collection method: clinical testing. Allele origin: germline.
Comment: This sequence change affects a donor splice site in intron 220 of the TTN gene. It is expected to disrupt RNA splicing and likely results in a truncated or disrupted TTN protein. This variant is present in population databases (rs752111827, gnomAD 0.006%). This variant has not been reported in the literature in individuals affected with TTN-related conditions. ClinVar contains an entry for this variant (Variation ID: 3757045). Algorithms developed to predict the effect of sequence changes on RNA splicing suggest that this variant may disrupt the consensus splice site. This variant is located in the I band of TTN (PMID: 25589632). Truncating variants in this region have been reported in individuals affected with autosomal recessive centronuclear myopathy (PMID: 23975875, internal data). Truncating variants in this region have also been identified in individuals affected with autosomal dominant dilated cardiomyopathy and/or cardio-related conditions (PMID: 27869827, 32964742, internal data). In summary, the currently available evidence indicates that the variant is pathogenic, but additional data are needed to prove that conclusively. Therefore, this variant has been classified as Likely Pathogenic.

Literature cited by the submitters: PubMed 25589632; PubMed 23975875; PubMed 27869827; PubMed 32964742.